The following is an entry in ClinVar:

NM_015268.4(DNAJC13):c.4537-42_4537-41del

Gene: DNAJC13 (DnaJ heat shock protein family (Hsp40) member C13; plus strand). Cytogenetic location: 3q22.1.
Variant type: Deletion.
Coding change: c.4537-42_4537-41del on transcript NM_015268.4 (MANE Select); 42 bases into the intron before coding-DNA position 4537 through 41 bases into the intron before coding-DNA position 4537, 2 bases deleted (TT; older notation c.4537-42_4537-41delTT).
Molecular consequence: intron variant.
Genome position (GRCh38, 1-based): chr3:132,502,247-132,502,248, TT deleted; deleting any 2 consecutive bases within chr3:132,502,233-132,502,248 gives the same sequence; the c. name uses the placement nearest the transcript's 3' end. VCF-style (leftmost placement, unchanged base first): chr3-132502232-CTT-C. GRCh37 (hg19) VCF-style: chr3-132221076-CTT-C.
Other names: c.4552-42_4552-41del (NM_001329126.2).
Identifiers: ClinVar variation 4795403 (VCV004795403.1).
Genomic context (GRCh38, chr3:132,502,232, plus strand): 5'-ACATTTTACAAAATAACGTGGTTGGCTTGACATACATGCACAACCAGTTCCTCTTGGGAG[CTT>C]TTTTTTTTTTTTTTAACTCTGTAACAACTAATGCTCTCATTTTTATTCTCTCAGAGTATT-3'

ClinVar aggregate classification (germline): Likely benign (1 of 4 stars; one submission).

Submission:

GeneDx
Classification: Likely benign. Last evaluated: 2020-05-09. Review status: criteria provided, single submitter. Criteria: GeneDx Variant Classification Process June 2021. Collection method: clinical testing. Allele origin: germline. Affected: yes.
Comment: See Variant Classification Assertion Criteria.